The following is an entry in ClinVar:

NM_015346.4(ZFYVE26):c.6987-151A>G

Gene: ZFYVE26 (zinc finger FYVE-type containing 26; minus strand). Cytogenetic location: 14q24.1.
Variant type: single nucleotide variant.
Coding change: c.6987-151A>G on transcript NM_015346.4 (MANE Select); 151 bases into the intron before coding-DNA position 6987, A replaced by G.
Molecular consequence: intron variant.
Genome position (GRCh38, 1-based): chr14:67,754,363, T>C on the plus strand (A>G on the coding strand, the complement: ZFYVE26 is on the minus strand). VCF-style: chr14-67754363-T-C. GRCh37 (hg19) VCF-style: chr14-68221080-T-C.
Identifiers: ClinVar variation 670345 (VCV000670345.1), dbSNP rs11622772, ClinGen allele CA14054761.

ClinVar aggregate classification (germline): Benign (1 of 4 stars; one submission).

Allele frequency attached by ClinVar (database versions not stated): 1000 Genomes Project 30x 0.28420; TOPMed 0.19604; 1000 Genomes Project 0.29093.

Submission:

GeneDx
Classification: Benign. Last evaluated: 2018-06-14. Review status: criteria provided, single submitter. Criteria: GeneDx Variant Classification (06012015). Collection method: clinical testing. Allele origin: germline. Affected: yes.
Comment: This variant is considered likely benign or benign based on one or more of the following criteria: it is a conservative change, it occurs at a poorly conserved position in the protein, it is predicted to be benign by multiple in silico algorithms, and/or has population frequency not consistent with disease.